The following is an entry in ClinVar:

ClinVar aggregate classification (germline): Uncertain significance. Review status: criteria provided, multiple submitters, no conflicts (2 of 4 stars). 2 submissions from 2 submitters: Uncertain significance (2). Last evaluated 2023-06-01.

Conditions:
MYO5B-related disorder. Also called: MYO5B-related condition.

Allele frequency attached by ClinVar (database versions not stated): gnomAD 0.00002; TOPMed 0.00003; ESP Exome Variant Server 0.00008.
gnomAD v4.1: 50 of 1,613,958 alleles (0.0031%); highest among the groups gnomAD compares: South Asian, 0.0099%; no homozygotes.

Submissions (2):

PreventionGenetics, part of Exact Sciences
Classification: Uncertain significance for MYO5B-related condition. Last evaluated: 2023-06-01. Review status: criteria provided, single submitter. Criteria: ACMG Guidelines, 2015. Collection method: clinical testing. Allele origin: germline.
Comment: The MYO5B c.637C>T variant is predicted to result in the amino acid substitution p.Arg213Cys. To our knowledge, this variant has not been reported in the literature. This variant is reported in 0.013% of alleles in individuals of South Asian descent in gnomAD. At this time, the clinical significance of this variant is uncertain due to the absence of conclusive functional and genetic evidence.

Labcorp Genetics (formerly Invitae), Labcorp
Classification: Uncertain significance. Last evaluated: 2022-08-02. Review status: criteria provided, single submitter. Criteria: Invitae Variant Classification Sherloc (09022015). Collection method: clinical testing. Allele origin: germline.
Comment: This sequence change replaces arginine, which is basic and polar, with cysteine, which is neutral and slightly polar, at codon 213 of the MYO5B protein (p.Arg213Cys). This variant is present in population databases (rs371567612, gnomAD 0.01%). This variant has not been reported in the literature in individuals affected with MYO5B-related conditions. Algorithms developed to predict the effect of missense changes on protein structure and function are either unavailable or do not agree on the potential impact of this missense change (SIFT: "Deleterious"; PolyPhen-2: "Probably Damaging"; Align-GVGD: "Class C0"). In summary, the available evidence is currently insufficient to determine the role of this variant in disease. Therefore, it has been classified as a Variant of Uncertain Significance.

NM_001080467.3(MYO5B):c.637C>T (p.Arg213Cys)

Gene: MYO5B (myosin VB; minus strand). Cytogenetic location: 18q21.1.
Variant type: single nucleotide variant.
Coding change: c.637C>T on transcript NM_001080467.3 (MANE Select); coding-DNA position 637, C replaced by T.
Protein change: p.Arg213Cys; replaces arginine 213 with cysteine.
Molecular consequence: missense variant.
Genome position (GRCh38, 1-based): chr18:49,992,407, G>A on the plus strand (C>T on the coding strand, the complement: MYO5B is on the minus strand). VCF-style: chr18-49992407-G-A. GRCh37 (hg19) VCF-style: chr18-47518777-G-A.
Other names: c.637C>T (NM_001080467.2); short protein forms R213C.
Identifiers: ClinVar variation 1944463 (VCV001944463.3), dbSNP rs371567612, ClinGen allele CA8961825.